The following is an entry in ClinVar:

NM_003072.5(SMARCA4):c.952G>C (p.Val318Leu)

Gene: SMARCA4 (SWI/SNF related BAF chromatin remodeling complex subunit ATPase 4; plus strand). Cytogenetic location: 19p13.2.
Variant type: single nucleotide variant.
Coding change: c.952G>C on transcript NM_003072.5 (MANE Select); coding-DNA position 952, G replaced by C.
Protein change: p.Val318Leu; replaces valine 318 with leucine.
Molecular consequence: missense variant. On other transcripts: non-coding transcript variant (1).
Genome position (GRCh38, 1-based): chr19:10,987,758, G>C. VCF-style: chr19-10987758-G-C. GRCh37 (hg19) VCF-style: chr19-11098434-G-C.
Other names: c.952G>C, p.Val318Leu (NM_001128844.3, NM_001128845.2, NM_001128846.2 and 6 more transcripts); short protein forms V318L.
Identifiers: ClinVar variation 3320725 (VCV003320725.1).

ClinVar aggregate classification (germline): Uncertain significance (1 of 4 stars; one submission).

Conditions:
Hereditary cancer-predisposing syndrome. Also called: Neoplastic Syndromes, Hereditary; Tumor predisposition; Hereditary neoplastic syndrome; Hereditary Cancer Syndrome. Identifiers: Orphanet 140162, MedGen C0027672, MeSH D009386, MONDO:0015356.

Submission:

Ambry Genetics
Classification: Uncertain significance for Hereditary cancer-predisposing syndrome. Last evaluated: 2024-04-17. Review status: criteria provided, single submitter. Criteria: Ambry Variant Classification Scheme 2023. Collection method: clinical testing. Allele origin: germline.
Comment: The p.V318L variant (also known as c.952G>C), located in coding exon 5 of the SMARCA4 gene, results from a G to C substitution at nucleotide position 952. The valine at codon 318 is replaced by leucine, an amino acid with highly similar properties. This amino acid position is conserved. In addition, the in silico prediction for this alteration is inconclusive. Based on the available evidence, the clinical significance of this variant remains unclear.